The following is an entry in ClinVar:

NM_144701.3(IL23R):c.148A>G (p.Ile50Val)

Gene: IL23R (interleukin 23 receptor; plus strand). Cytogenetic location: 1p31.3.
Variant type: single nucleotide variant.
Coding change: c.148A>G on transcript NM_144701.3 (MANE Select); coding-DNA position 148, A replaced by G.
Protein change: p.Ile50Val; replaces isoleucine 50 with valine.
Molecular consequence: missense variant.
Genome position (GRCh38, 1-based): chr1:67,169,419, A>G. VCF-style: chr1-67169419-A-G. GRCh37 (hg19) VCF-style: chr1-67635102-A-G.
Other names: short protein forms I50V.
Identifiers: ClinVar variation 2777320 (VCV002777320.3), dbSNP rs766991367, ClinGen allele CA899651.
Genomic context (GRCh38, chr1:67,169,419, plus strand): 5'-TGCTCTGGCCACATCTGGGTAGAACCAGCCACAATTTTTAAGATGGGTATGAATATCTCT[A>G]TATATTGCCAAGCAGCAATTAAGAACTGCCAACCAAGGAAACTTCATTTTTATAAAAATG-3'
Protein context (NP_653302.2, residues 40-60): TIFKMGMNIS[Ile50Val]YCQAAIKNCQ

ClinVar aggregate classification (germline): Uncertain significance (1 of 4 stars; one submission).

Allele frequency attached by ClinVar (database versions not stated): gnomAD exomes 0.00001; ExAC 0.00002.
gnomAD v4.1: 12 of 1,613,212 alleles (0.00074%); highest among the groups gnomAD compares: South Asian, 0.0088%; no homozygotes.

Submission:

Labcorp Genetics (formerly Invitae), Labcorp
Classification: Uncertain significance. Last evaluated: 2024-04-05. Review status: criteria provided, single submitter. Criteria: Invitae Variant Classification Sherloc (09022015). Collection method: clinical testing. Allele origin: germline.
Comment: This sequence change replaces isoleucine, which is neutral and non-polar, with valine, which is neutral and non-polar, at codon 50 of the IL23R protein (p.Ile50Val). This variant is present in population databases (rs766991367, gnomAD 0.01%). This variant has not been reported in the literature in individuals affected with IL23R-related conditions. Algorithms developed to predict the effect of missense changes on protein structure and function output the following: SIFT: "Not Available"; PolyPhen-2: "Benign"; Align-GVGD: "Not Available". The valine amino acid residue is found in multiple mammalian species, which suggests that this missense change does not adversely affect protein function. In summary, the available evidence is currently insufficient to determine the role of this variant in disease. Therefore, it has been classified as a Variant of Uncertain Significance.